The following is an entry in ClinVar:

ClinVar aggregate classification (germline): Likely benign. Review status: criteria provided, multiple submitters, no conflicts (2 of 4 stars). 3 submissions from 3 submitters: Likely benign (3). Last evaluated 2026-02-16.

Conditions:
PRDM13-related disorder. Also called: PRDM13-related condition.

Allele frequency attached by ClinVar (database versions not stated): ExAC 0.00001; gnomAD 0.00001; gnomAD exomes 0.00001 and 0.00010; TOPMed 0.00004.
gnomAD v4.1: 144 of 1,607,526 alleles (0.009%); highest among the groups gnomAD compares: Non-Finnish European, 0.012%; no homozygotes.

Submissions (3):

PreventionGenetics, part of Exact Sciences
Classification: Likely benign for PRDM13-related condition. Last evaluated: 2026-02-16. Review status: criteria provided, single submitter. Criteria: ACMG Guidelines, 2015. Collection method: clinical testing. Allele origin: germline.
Comment: This variant is classified as likely benign based on ACMG/AMP sequence variant interpretation guidelines (Richards et al. 2015 PMID: 25741868, with internal and published modifications).

Labcorp Genetics (formerly Invitae), Labcorp
Classification: Likely benign. Last evaluated: 2025-04-17. Review status: criteria provided, single submitter. Criteria: Invitae Variant Classification Sherloc (09022015). Collection method: clinical testing. Allele origin: germline.

Blueprint Genetics
Classification: Likely benign. Last evaluated: 2021-08-31. Review status: criteria provided, single submitter. Criteria: ACMG Guidelines, 2015. Collection method: clinical testing. Allele origin: germline.

NM_021620.4(PRDM13):c.1636T>C (p.Leu546=)

Gene: PRDM13 (PR/SET domain 13; plus strand). Cytogenetic location: 6q16.2.
Variant type: single nucleotide variant.
Coding change: c.1636T>C on transcript NM_021620.4 (MANE Select); coding-DNA position 1636, T replaced by C.
Protein change: p.Leu546=; no amino-acid change (leucine 546 retained).
Molecular consequence: synonymous variant.
Genome position (GRCh38, 1-based): chr6:99,614,271, T>C. VCF-style: chr6-99614271-T-C. GRCh37 (hg19) VCF-style: chr6-100062147-T-C.
Other names: c.1636T>C (NM_021620.3).
Identifiers: ClinVar variation 1125838 (VCV001125838.11), dbSNP rs755653407, ClinGen allele CA3936421.